The following is an entry in ClinVar:

NM_005807.6(PRG4):c.3813T>C (p.Tyr1271=)

Genes: PRG4 (proteoglycan 4; plus strand), TPR (translocated promoter region, nuclear basket protein; minus strand). Cytogenetic location: 1q31.1.
Variant type: single nucleotide variant.
Coding change: c.3813T>C on transcript NM_005807.6 (MANE Select); coding-DNA position 3813, T replaced by C.
Protein change: p.Tyr1271=; no amino-acid change (tyrosine 1271 retained).
Molecular consequence: synonymous variant. On other transcripts: 3 prime UTR variant (1).
Genome position (GRCh38, 1-based): chr1:186,312,194, T>C. VCF-style: chr1-186312194-T-C. GRCh37 (hg19) VCF-style: chr1-186281326-T-C.
Other names: c.3690T>C, p.Tyr1230= (NM_001127708.3); c.3534T>C, p.Tyr1178= (NM_001127709.3); c.3411T>C, p.Tyr1137= (NM_001127710.3); c.3684T>C, p.Tyr1228= (NM_001303232.2); c.*1777A>G (NM_003292.3).
Identifiers: ClinVar variation 3057176 (VCV003057176.2), dbSNP rs767032008, ClinGen allele CA1296767.

ClinVar aggregate classification (germline): Likely benign (0 of 4 stars; one submission).

Conditions:
PRG4-related disorder. Also called: PRG4-related condition.

Allele frequency attached by ClinVar (database versions not stated): TOPMed below 0.00001; gnomAD 0.00001; gnomAD exomes 0.00001; ExAC 0.00002.
gnomAD v4.1: 13 of 1,613,842 alleles (0.00081%); highest among the groups gnomAD compares: Middle Eastern, 0.033%; no homozygotes.

Submission:

PreventionGenetics, part of Exact Sciences
Classification: Likely benign for PRG4-related condition. Last evaluated: 2019-04-30. Review status: no assertion criteria provided. Collection method: clinical testing. Allele origin: germline.
Comment: This variant is classified as likely benign based on ACMG/AMP sequence variant interpretation guidelines (Richards et al. 2015 PMID: 25741868, with internal and published modifications).